The following is an entry in ClinVar:

NM_001365951.3(KIF1B):c.1394T>C (p.Met465Thr)

Gene: KIF1B (kinesin family member 1B; plus strand). Cytogenetic location: 1p36.22.
Variant type: single nucleotide variant.
Coding change: c.1394T>C on transcript NM_001365951.3 (MANE Select); coding-DNA position 1394, T replaced by C.
Protein change: p.Met465Thr; replaces methionine 465 with threonine.
Molecular consequence: missense variant.
Genome position (GRCh38, 1-based): chr1:10,282,493, T>C. VCF-style: chr1-10282493-T-C. GRCh37 (hg19) VCF-style: chr1-10342551-T-C.
Other names: c.1394T>C, p.Met465Thr (NM_001365952.1); c.1256T>C, p.Met419Thr (NM_001365953.1, NM_015074.3, NM_183416.4); short protein forms M419T, M465T.
Identifiers: ClinVar variation 3226345 (VCV003226345.1), dbSNP rs2521257442, ClinGen allele CA338336571.

ClinVar aggregate classification (germline): Uncertain significance (1 of 4 stars; one submission).

Submission:

Ambry Genetics
Classification: Uncertain significance. Last evaluated: 2023-10-23. Review status: criteria provided, single submitter. Criteria: Ambry Variant Classification Scheme 2023. Collection method: clinical testing. Allele origin: germline.
Comment: The p.M419T variant (also known as c.1256T>C), located in coding exon 12 of the KIF1B gene, results from a T to C substitution at nucleotide position 1256. The methionine at codon 419 is replaced by threonine, an amino acid with similar properties. This amino acid position is conserved. In addition, this alteration is predicted to be deleterious by in silico analysis. Since supporting evidence is limited at this time, the clinical significance of this alteration remains unclear.